The following is an entry in ClinVar:

NM_014846.4(WASHC5):c.2426C>G (p.Pro809Arg)

Gene: WASHC5 (WASH complex subunit 5; minus strand). Cytogenetic location: 8q24.13.
Variant type: single nucleotide variant.
Coding change: c.2426C>G on transcript NM_014846.4 (MANE Select); coding-DNA position 2426, C replaced by G.
Protein change: p.Pro809Arg; replaces proline 809 with arginine.
Molecular consequence: missense variant.
Genome position (GRCh38, 1-based): chr8:125,047,285, G>C on the plus strand (C>G on the coding strand, the complement: WASHC5 is on the minus strand). VCF-style: chr8-125047285-G-C. GRCh37 (hg19) VCF-style: chr8-126059527-G-C.
Other names: c.1982C>G, p.Pro661Arg (NM_001330609.2); short protein forms P661R, P809R.
Identifiers: ClinVar variation 1163493 (VCV001163493.8), dbSNP rs747787888, ClinGen allele CA4873527.

ClinVar aggregate classification (germline): Uncertain significance. Review status: criteria provided, multiple submitters, no conflicts (2 of 4 stars). 2 submissions from 2 submitters: Uncertain significance (2). Last evaluated 2023-01-14.

Conditions:
Hereditary spastic paraplegia 8 (SPG8). Also called: SPASTIC PARAPLEGIA 8, AUTOSOMAL DOMINANT. Identifiers: Orphanet 100989, MedGen C1863704, MONDO:0011339, OMIM 603563.
Ritscher-Schinzel syndrome. Also called: CRANIOCEREBELLOCARDIAC DYSPLASIA. Identifiers: Orphanet 7, MedGen C0796137, MONDO:0019078.

Allele frequency attached by ClinVar (database versions not stated): ExAC 0.00001; gnomAD 0.00003; TOPMed 0.00005; gnomAD exomes 0.00002 and 0.00005.
gnomAD v4.1: 82 of 1,613,810 alleles (0.0051%); highest among the groups gnomAD compares: Non-Finnish European, 0.0067%; 1 homozygote.

Submissions (2):

Labcorp Genetics (formerly Invitae), Labcorp
Classification: Uncertain significance for Ritscher-Schinzel syndrome; Hereditary spastic paraplegia 8. Last evaluated: 2023-01-14. Review status: criteria provided, single submitter. Criteria: Invitae Variant Classification Sherloc (09022015). Collection method: clinical testing. Allele origin: germline.
Comment: ClinVar contains an entry for this variant (Variation ID: 1163493). This sequence change replaces proline, which is neutral and non-polar, with arginine, which is basic and polar, at codon 809 of the WASHC5 protein (p.Pro809Arg). This variant is present in population databases (rs747787888, gnomAD 0.004%). This variant has not been reported in the literature in individuals affected with WASHC5-related conditions. Advanced modeling of protein sequence and biophysical properties (such as structural, functional, and spatial information, amino acid conservation, physicochemical variation, residue mobility, and thermodynamic stability) performed at Invitae indicates that this missense variant is expected to disrupt WASHC5 protein function. In summary, the available evidence is currently insufficient to determine the role of this variant in disease. Therefore, it has been classified as a Variant of Uncertain Significance.

Mayo Clinic Laboratories, Mayo Clinic
Classification: Uncertain significance. Last evaluated: 2019-11-11. Review status: criteria provided, single submitter. Criteria: ACMG Guidelines, 2015. Collection method: clinical testing. Allele origin: germline. Observed: 1 variant allele.